The following is an entry in ClinVar:

ClinVar aggregate classification (germline): Likely benign. Review status: criteria provided, multiple submitters, no conflicts (2 of 4 stars). 2 submissions from 2 submitters: Likely benign (2). Last evaluated 2025-10-07.

Conditions:
Hereditary leiomyomatosis and renal cell cancer. Also called: MULTIPLE CUTANEOUS AND UTERINE LEIOMYOMATA 1, WITH OR WITHOUT RENAL CELL CARCINOMA; LEIOMYOMA, MULTIPLE CUTANEOUS; Reed syndrome; Multiple cutaneous and uterine leiomyomatosis; Cutaneous leiomyomata with uterine leiomyomata; Leiomyoma, hereditary multiple, of skin. Identifiers: Orphanet 523, MedGen C1708350, MONDO:0007888, OMIM 150800, HP:0007437. Disease mechanism: loss of function.

Submissions (2):

Labcorp Genetics (formerly Invitae), Labcorp
Classification: Likely benign. Last evaluated: 2025-10-07. Review status: criteria provided, single submitter. Criteria: Invitae Variant Classification Sherloc (09022015). Collection method: clinical testing. Allele origin: germline.

Myriad Genetics, Inc.
Classification: Likely benign for Hereditary leiomyomatosis and renal cell cancer. Last evaluated: 2024-10-21. Review status: criteria provided, single submitter. Criteria: Myriad Autosomal Dominant, Autosomal Recessive and X-Linked Classification Criteria (2023). Collection method: clinical testing. Allele origin: unknown.
Comment: This variant is considered likely benign. This variant is intronic and is not expected to impact mRNA splicing.

NM_000143.4(FH):c.1391-13A>G

Gene: FH (fumarate hydratase; minus strand). Cytogenetic location: 1q43.
Variant type: single nucleotide variant.
Coding change: c.1391-13A>G on transcript NM_000143.4 (MANE Select); 13 bases into the intron before coding-DNA position 1391, A replaced by G.
Molecular consequence: intron variant.
Genome position (GRCh38, 1-based): chr1:241,497,983, T>C on the plus strand (A>G on the coding strand, the complement: FH is on the minus strand). VCF-style: chr1-241497983-T-C. GRCh37 (hg19) VCF-style: chr1-241661283-T-C.
Identifiers: ClinVar variation 3665563 (VCV003665563.3).